The following is an entry in ClinVar:

NM_000059.4(BRCA2):c.6189A>G (p.Gly2063=)

Gene: BRCA2 (BRCA2 DNA repair associated; plus strand). Cytogenetic location: 13q13.1.
Variant type: single nucleotide variant.
Coding change: c.6189A>G on transcript NM_000059.4 (MANE Select); coding-DNA position 6189, A replaced by G.
Protein change: p.Gly2063=; no amino-acid change (glycine 2063 retained).
Molecular consequence: synonymous variant.
Genome position (GRCh38, 1-based): chr13:32,340,544, A>G. VCF-style: chr13-32340544-A-G. GRCh37 (hg19) VCF-style: chr13-32914681-A-G.
Identifiers: ClinVar variation 987835 (VCV000987835.16), dbSNP rs1367271077, ClinGen allele CA483439329.

ClinVar aggregate classification (germline): Likely benign. Review status: criteria provided, multiple submitters, no conflicts (2 of 4 stars). 5 submissions from 5 submitters: Likely benign (4). 1 of the submissions does not count toward it. Last evaluated 2025-10-20.

Conditions:
BRCA2-related disorder. Also called: BRCA2-related condition; BRCA2-related disorders. Identifiers: MedGen CN239275.
Hereditary cancer-predisposing syndrome. Also called: Hereditary Cancer Syndrome; Neoplastic Syndromes, Hereditary; Tumor predisposition; Hereditary neoplastic syndrome. Identifiers: Orphanet 140162, MedGen C0027672, MeSH D009386, MONDO:0015356.
Hereditary breast ovarian cancer syndrome. Also called: Hereditary breast and ovarian cancer syndrome; Hereditary breast and ovarian cancer syndrome (HBOC); Breast and ovarian cancer; Hereditary breast and/or ovarian cancer syndrome; Hereditary breast and ovarian cancer; BRCA1- and BRCA2-Associated Hereditary Breast and Ovarian Cancer. Identifiers: Orphanet 145, MedGen C0677776, MeSH D061325, MONDO:0003582. Disease mechanism: loss of function.

Allele frequency attached by ClinVar (database versions not stated): gnomAD 0.00001; gnomAD exomes 0.00001.
gnomAD v4.1: 11 of 1,612,860 alleles (0.00068%); highest among the groups gnomAD compares: African/African-American, 0.0013%; no homozygotes.

Submissions (5):

Labcorp Genetics (formerly Invitae), Labcorp
Classification: Likely benign for Hereditary breast ovarian cancer syndrome. Last evaluated: 2025-10-20. Review status: criteria provided, single submitter. Criteria: Invitae Variant Classification Sherloc (09022015). Collection method: clinical testing. Allele origin: germline.

Color Diagnostics, LLC DBA Color Health
Classification: Likely benign for Hereditary cancer-predisposing syndrome. Last evaluated: 2021-11-17. Review status: criteria provided, single submitter. Criteria: ACMG Guidelines, 2015. Collection method: clinical testing. Allele origin: germline.

Women's Health and Genetics/Laboratory Corporation of America, LabCorp
Classification: Likely benign. Last evaluated: 2020-11-25. Review status: criteria provided, single submitter. Criteria: LabCorp Variant Classification Summary - May 2015. Collection method: clinical testing. Allele origin: germline.
Comment: Variant summary: BRCA2 c.6189A>G alters a conserved nucleotide resulting in a synonymous change. 4/4 computational tools predict no significant impact on normal splicing. However, these predictions have yet to be confirmed by functional studies. The variant was absent in 250210 control chromosomes. The available data on variant occurrences in the general population are insufficient to allow any conclusion about variant significance. To our knowledge, no occurrence of c.6189A>G in individuals affected with Hereditary Breast And Ovarian Cancer Syndrome and no experimental evidence demonstrating its impact on protein function have been reported. No clinical diagnostic laboratories have submitted clinical-significance assessments for this variant to ClinVar after 2014. Based on the evidence outlined above, the variant was classified as likely benign.

Ambry Genetics
Classification: Likely benign for Hereditary cancer-predisposing syndrome. Last evaluated: 2019-12-30. Review status: criteria provided, single submitter. Criteria: Ambry Variant Classification Scheme 2023. Collection method: clinical testing. Allele origin: germline.

PreventionGenetics, part of Exact Sciences
Classification: Likely benign for BRCA2-related condition. Last evaluated: 2022-11-23. Review status: no assertion criteria provided. Collection method: clinical testing. Allele origin: germline. Not counted in ClinVar's aggregate classification.
Comment: This variant is classified as likely benign based on ACMG/AMP sequence variant interpretation guidelines (Richards et al. 2015 PMID: 25741868, with internal and published modifications).